The following is an entry in ClinVar:

ClinVar aggregate classification (germline): Pathogenic (1 of 4 stars; one submission).

Submission:

Labcorp Genetics (formerly Invitae), Labcorp
Classification: Pathogenic. Last evaluated: 2023-09-10. Review status: criteria provided, single submitter. Criteria: Invitae Variant Classification Sherloc (09022015). Collection method: clinical testing. Allele origin: germline.
Comment: This variant has not been reported in the literature in individuals affected with USH1C-related conditions. This variant is not present in population databases (gnomAD no frequency). This sequence change creates a premature translational stop signal (p.Gln232*) in the USH1C gene. It is expected to result in an absent or disrupted protein product. Loss-of-function variants in USH1C are known to be pathogenic (PMID: 10973247, 17407589, 20301442, 21203349). For these reasons, this variant has been classified as Pathogenic. Algorithms developed to predict the effect of sequence changes on RNA splicing suggest that this variant may disrupt the consensus splice site.

Literature cited by the submitters: PubMed 10973247; PubMed 17407589; PubMed 20301442; PubMed 21203349.

NM_153676.4(USH1C):c.694C>T (p.Gln232Ter)

Gene: USH1C (USH1 protein network component harmonin; minus strand). Cytogenetic location: 11p15.1.
Variant type: single nucleotide variant.
Coding change: c.694C>T on transcript NM_153676.4 (MANE Select); coding-DNA position 694, C replaced by T.
Protein change: p.Gln232Ter; replaces glutamine 232 with a stop codon.
Molecular consequence: nonsense. On other transcripts: non-coding transcript variant (1).
Genome position (GRCh38, 1-based): chr11:17,524,516, G>A on the plus strand (C>T on the coding strand, the complement: USH1C is on the minus strand). VCF-style: chr11-17524516-G-A. GRCh37 (hg19) VCF-style: chr11-17546063-G-A.
Other names: c.694C>T, p.Gln232Ter (NM_001297764.2, NM_005709.4); short protein forms Q232*.
Identifiers: ClinVar variation 2759698 (VCV002759698.3), dbSNP rs2497170873, ClinGen allele CA379791208.